The following is an entry in ClinVar:

NM_058216.3(RAD51C):c.810C>G (p.Ile270Met)

Gene: RAD51C (RAD51 paralog C; plus strand). Cytogenetic location: 17q22.
Variant type: single nucleotide variant.
Coding change: c.810C>G on transcript NM_058216.3 (MANE Select); coding-DNA position 810, C replaced by G.
Protein change: p.Ile270Met; replaces isoleucine 270 with methionine.
Molecular consequence: missense variant. On other transcripts: non-coding transcript variant (1).
Genome position (GRCh38, 1-based): chr17:58,709,963, C>G. VCF-style: chr17-58709963-C-G. GRCh37 (hg19) VCF-style: chr17-56787324-C-G.
Other names: c.810C>G (NM_058216.1); short protein forms I270M.
Identifiers: ClinVar variation 490129 (VCV000490129.12), dbSNP rs1555599252, ClinGen allele CA400354261.
Genomic context (GRCh38, chr17:58,709,963, plus strand): 5'-TGACCTAGATGACCTGTCTCTTCGTACTCGGTTATTAAATGGCCTAGCCCAGCAAATGAT[C>G]AGCCTTGCAAATAATCACAGATTAGCTGTAAGTATTAACTAGTGAAGAGAGTTTTATAAC-3'
Protein context (NP_478123.1, residues 260-280): RLLNGLAQQM[Ile270Met]SLANNHRLAV

ClinVar aggregate classification (germline): Uncertain significance. Review status: criteria provided, multiple submitters, no conflicts (2 of 4 stars). 3 submissions from 3 submitters: Uncertain significance (3). Last evaluated 2025-09-17.

Conditions:
Hereditary cancer-predisposing syndrome. Also called: Tumor predisposition; Neoplastic Syndromes, Hereditary; Hereditary Cancer Syndrome; Hereditary neoplastic syndrome. Identifiers: Orphanet 140162, MedGen C0027672, MeSH D009386, MONDO:0015356.
Fanconi anemia complementation group O. Also called: RAD51C-Related Fanconi Anemia. Identifiers: Orphanet 84, MedGen C3150653, MONDO:0013248, OMIM 613390.

Submissions (3):

Ambry Genetics
Classification: Uncertain significance for Hereditary cancer-predisposing syndrome. Last evaluated: 2025-09-17. Review status: criteria provided, single submitter. Criteria: Ambry Variant Classification Scheme 2023. Collection method: clinical testing. Allele origin: germline.
Comment: The p.I270M variant (also known as c.810C>G), located in coding exon 5 of the RAD51C gene, results from a C to G substitution at nucleotide position 810. The isoleucine at codon 270 is replaced by methionine, an amino acid with highly similar properties. This amino acid position is conserved. In addition, the in silico prediction for this alteration is inconclusive. Based on the available evidence, the clinical significance of this variant remains unclear.

Color Diagnostics, LLC DBA Color Health
Classification: Uncertain significance for Hereditary cancer-predisposing syndrome. Last evaluated: 2023-12-05. Review status: criteria provided, single submitter. Criteria: ACMG Guidelines, 2015. Collection method: clinical testing. Allele origin: germline.
Comment: This missense variant replaces isoleucine with methionine at codon 270 of the RAD51C protein. Computational prediction suggests that this variant may not impact protein structure and function (internally defined REVEL score threshold <= 0.5, PMID: 27666373). To our knowledge, functional studies have not been reported for this variant. This variant has not been reported in individuals affected with RAD51C-related disorders in the literature. This variant has not been identified in the general population by the Genome Aggregation Database (gnomAD). The available evidence is insufficient to determine the role of this variant in disease conclusively. Therefore, this variant is classified as a Variant of Uncertain Significance.

Labcorp Genetics (formerly Invitae), Labcorp
Classification: Uncertain significance for Fanconi anemia complementation group O. Last evaluated: 2022-06-28. Review status: criteria provided, single submitter. Criteria: Invitae Variant Classification Sherloc (09022015). Collection method: clinical testing. Allele origin: germline.
Comment: Algorithms developed to predict the effect of missense changes on protein structure and function (SIFT, PolyPhen-2, Align-GVGD) all suggest that this variant is likely to be tolerated. ClinVar contains an entry for this variant (Variation ID: 490129). This variant has not been reported in the literature in individuals affected with RAD51C-related conditions. This variant is not present in population databases (gnomAD no frequency). This sequence change replaces isoleucine, which is neutral and non-polar, with methionine, which is neutral and non-polar, at codon 270 of the RAD51C protein (p.Ile270Met). In summary, the available evidence is currently insufficient to determine the role of this variant in disease. Therefore, it has been classified as a Variant of Uncertain Significance.